The following is an entry in ClinVar:

NM_020975.6(RET):c.1062T>C (p.Tyr354=)

Gene: RET (ret proto-oncogene; plus strand). Cytogenetic location: 10q11.21.
Variant type: single nucleotide variant.
Coding change: c.1062T>C on transcript NM_020975.6 (MANE Select); coding-DNA position 1062, T replaced by C.
Protein change: p.Tyr354=; no amino-acid change (tyrosine 354 retained).
Molecular consequence: synonymous variant. On other transcripts: intron variant (25).
Genome position (GRCh38, 1-based): chr10:43,106,570, T>C. VCF-style: chr10-43106570-T-C. GRCh37 (hg19) VCF-style: chr10-43602018-T-C.
Other names: c.1062T>C, p.Tyr354= (NM_000323.2, NM_001406743.1, NM_001406744.1 and 6 more transcripts); c.300T>C, p.Tyr100= (NM_001355216.2); c.933T>C, p.Tyr311= (NM_001406761.1, NM_001406762.1, NM_001406764.1 and 1 more transcripts); c.774T>C, p.Tyr258= (NM_001406766.1, NM_001406767.1, NM_001406770.1); c.867+1377T>C (NM_001406772.1, NM_001406769.1); c.626-2461T>C (NM_001406773.1, NM_001406771.1); c.625+3941T>C (NM_001406782.1, NM_001406780.1, NM_001406779.1 and 3 more transcripts); c.738+1377T>C (NM_001406774.1); and 5 more.
Identifiers: ClinVar variation 849703 (VCV000849703.14), dbSNP rs1837785673, ClinGen allele CA469024101.
Genomic context (GRCh38, chr10:43,106,570, plus strand): 5'-GCCCAACGAGACCTCGGTCCAGGCCAACGGCAGCTTCGTGCGGGCGACCGTACATGACTA[T>C]AGTAAGAGGGGCTGGTGGCACGGCCTGGCTAGGCCCCCAGGAAATGAGGTGCTCGCTCTT-3'
Protein context (NP_066124.1, residues 344-364): GSFVRATVHD[Tyr354=]RLVLNRNLSI

ClinVar aggregate classification (germline): Uncertain significance. Review status: criteria provided, multiple submitters, no conflicts (2 of 4 stars). 5 submissions from 2 submitters: Uncertain significance (5). Last evaluated 2019-04-10.

Conditions:
Multiple endocrine neoplasia. Identifiers: Orphanet 276161, MedGen C0027662, MONDO:0017169.
Multiple endocrine neoplasia, type 2 (MEN2). Identifiers: Orphanet 653, MedGen C4048306, MONDO:0019003. Disease mechanism: gain of function.
Pheochromocytoma. Also called: MAX-Related Hereditary Paraganglioma-Pheochromocytoma Syndrome. Identifiers: Orphanet 29072, MedGen C0031511, MONDO:0008233, OMIM 171300, HP:0002666.
Hirschsprung disease, susceptibility to, 1 (HSCR1). Also called: RET-Related Hirschsprung Disease. Identifiers: Orphanet 388, MedGen C3888239, MONDO:0007723, OMIM 142623.
Renal hypodysplasia/aplasia 1 (RHDA1). Also called: HEREDITARY RENAL APLASIA; RENAL APLASIA. Identifiers: Orphanet 411709, MedGen C1619700, MONDO:0024519, OMIM 191830.

Allele frequency attached by ClinVar (database versions not stated): gnomAD exomes below 0.00001.
gnomAD v4.1: 1 of 1,613,228 alleles (0.000062%); highest among the groups gnomAD compares: South Asian, 0.0011%; no homozygotes.

Submissions (5):

Labcorp Genetics (formerly Invitae), Labcorp
Classification: Uncertain significance for Multiple endocrine neoplasia, type 2. Last evaluated: 2019-04-10. Review status: criteria provided, single submitter. Criteria: Invitae Variant Classification Sherloc (09022015). Collection method: clinical testing. Allele origin: germline.
Comment: This sequence change affects codon 354 of the RET mRNA. It is a 'silent' change, meaning that it does not change the encoded amino acid sequence of the RET protein. This variant is not present in population databases (ExAC no frequency). This variant has not been reported in the literature in individuals with RET-related conditions. Algorithms developed to predict the effect of sequence changes on RNA splicing suggest that this variant is not likely to affect RNA splicing, but this prediction has not been confirmed by published transcriptional studies. In summary, the available evidence is currently insufficient to determine the role of this variant in disease. Therefore, it has been classified as a Variant of Uncertain Significance.

Illumina Laboratory Services, Illumina
Classification: Uncertain significance for Multiple endocrine neoplasia. Last evaluated: 2018-01-13. Review status: criteria provided, single submitter. Criteria: ICSL Variant Classification Criteria 13 December 2019. Collection method: clinical testing. Allele origin: germline.

Illumina Laboratory Services, Illumina
Classification: Uncertain significance for Pheochromocytoma. Last evaluated: 2018-01-13. Review status: criteria provided, single submitter. Criteria: ICSL Variant Classification Criteria 13 December 2019. Collection method: clinical testing. Allele origin: germline.

Illumina Laboratory Services, Illumina
Classification: Uncertain significance for Hirschsprung disease, susceptibility to, 1. Last evaluated: 2018-01-13. Review status: criteria provided, single submitter. Criteria: ICSL Variant Classification Criteria 13 December 2019. Collection method: clinical testing. Allele origin: germline.

Illumina Laboratory Services, Illumina
Classification: Uncertain significance for Renal hypodysplasia/aplasia 1. Last evaluated: 2018-01-13. Review status: criteria provided, single submitter. Criteria: ICSL Variant Classification Criteria 13 December 2019. Collection method: clinical testing. Allele origin: germline.